The following is an entry in ClinVar:

NM_032383.5(HPS3):c.538_539insATTGTTGATTGTATACGTT (p.Ile180delinsAsnCysTer)

Gene: HPS3 (HPS3 biogenesis of lysosomal organelles complex 2 subunit 1; plus strand). Cytogenetic location: 3q24.
Variant type: Insertion.
Coding change: c.538_539insATTGTTGATTGTATACGTT on transcript NM_032383.5 (MANE Select); coding-DNA positions 538 to 539, ATTGTTGATTGTATACGTT inserted.
Protein change: p.Ile180delinsAsnCysTer.
Molecular consequence: nonsense. On other transcripts: intron variant (1).
Genome position: GRCh38 VCF-style: chr3-149140324-A-AATTGTTGATTGTATACGTT. GRCh37 (hg19) VCF-style: chr3-148858111-A-AATTGTTGATTGTATACGTT.
Other names: c.218-693_218-692insATTGTTGATTGTATACGTT (NM_001308258.2).
Identifiers: ClinVar variation 5011189 (VCV005011189.1).

ClinVar aggregate classification (germline): Pathogenic (1 of 4 stars; one submission).

Conditions:
Hermansky-Pudlak syndrome 3 (HPS3). Identifiers: Orphanet 231512, Orphanet 79430, MedGen C3888001, MONDO:0013555, OMIM 614072.

Submission:

Myriad Genetics, Inc.
Classification: Pathogenic for Hermansky-Pudlak syndrome 3. Last evaluated: 2024-05-14. Review status: criteria provided, single submitter. Criteria: Myriad Autosomal Dominant, Autosomal Recessive and X-Linked Classification Criteria (2023). Collection method: clinical testing. Allele origin: unknown.
Comment: NM_032383.3(HPS3):c.538_539ins19(I180Nfs*3) is expected to be pathogenic in the context of Hermansky-Pudlak syndrome, HPS3-related. This variant is predicted to lead to an abnormal or absent protein product due to the creation of a premature termination codon in HPS3, a gene where loss-of-function variants are known to be pathogenic. Please note: this variant was assessed in the context of healthy population screening.